The following is an entry in ClinVar:

ClinVar aggregate classification (germline): Uncertain significance (1 of 4 stars; one submission).

Allele frequency attached by ClinVar (database versions not stated): gnomAD exomes below 0.00001 and 0.00002; ExAC 0.00001; gnomAD 0.00001; TOPMed 0.00002.
gnomAD v4.1: 27 of 1,614,016 alleles (0.0017%); highest among the groups gnomAD compares: Non-Finnish European, 0.0022%; no homozygotes.

Submission:

GeneDx
Classification: Uncertain significance. Last evaluated: 2019-07-18. Review status: criteria provided, single submitter. Criteria: GeneDx Variant Classification Process June 2021. Collection method: clinical testing. Allele origin: germline. Affected: yes.
Comment: In silico analysis, which includes protein predictors and evolutionary conservation, supports a deleterious effect; Has not been previously published as pathogenic or benign to our knowledge

NM_015335.5(MED13L):c.5510G>A (p.Arg1837His)

Gene: MED13L (mediator complex subunit 13L; minus strand). Cytogenetic location: 12q24.21.
Variant type: single nucleotide variant.
Coding change: c.5510G>A on transcript NM_015335.5 (MANE Select); coding-DNA position 5510, G replaced by A.
Protein change: p.Arg1837His; replaces arginine 1837 with histidine.
Molecular consequence: missense variant.
Genome position (GRCh38, 1-based): chr12:115,975,593, C>T on the plus strand (G>A on the coding strand, the complement: MED13L is on the minus strand). VCF-style: chr12-115975593-C-T. GRCh37 (hg19) VCF-style: chr12-116413398-C-T.
Other names: short protein forms R1837H.
Identifiers: ClinVar variation 1307114 (VCV001307114.2), dbSNP rs565032784, ClinGen allele CA6810574.